The following is an entry in ClinVar:

ClinVar aggregate classification (germline): Benign/Likely benign. Review status: criteria provided, multiple submitters, no conflicts (2 of 4 stars). 2 submissions from 2 submitters: Benign (1); Likely benign (1). Last evaluated 2017-06-28.

Submissions (2):

GeneDx
Classification: Likely benign. Last evaluated: 2017-06-28. Review status: criteria provided, single submitter. Criteria: GeneDx Variant Classification (06012015). Collection method: clinical testing. Allele origin: germline. Affected: yes.
Comment: This variant is considered likely benign or benign based on one or more of the following criteria: it is a conservative change, it occurs at a poorly conserved position in the protein, it is predicted to be benign by multiple in silico algorithms, and/or has population frequency not consistent with disease.

Eurofins Ntd Llc (ga)
Classification: Benign. Last evaluated: 2014-08-04. Review status: criteria provided, single submitter. Criteria: EGL Classification Definitions 2015. Collection method: clinical testing. Allele origin: germline. Observed: 1 variant allele, 1 hemizygote.

NM_006517.5(SLC16A2):c.-114GGCAGC[2]

Gene: SLC16A2 (solute carrier family 16 member 2; plus strand). Cytogenetic location: Xq13.2.
Variant type: Microsatellite.
Coding change: c.-114GGCAGC[2] on transcript NM_006517.5 (MANE Select); two copies in a row of the 6-base unit GGCAGC starting at c.-114; the reference has three copies in a row; one copy, 6 bases deleted.
Molecular consequence: 5 prime UTR variant.
Genome position (GRCh38, 1-based): chrX:74,421,536-74,421,541, GGCAGC deleted; deleting any 6 consecutive bases within chrX:74,421,524-74,421,541 gives the same sequence; the position shown is the placement nearest the transcript's 3' end. VCF-style (leftmost placement, unchanged base first): chrX-74421523-AGGCAGC-A. GRCh37 (hg19) VCF-style: chrX-73641358-AGGCAGC-A.
Identifiers: ClinVar variation 193344 (VCV000193344.6), dbSNP rs760787234, ClinGen allele CA200509.